The following is an entry in ClinVar:

ClinVar aggregate classification (germline): Pathogenic. Review status: criteria provided, multiple submitters, no conflicts (2 of 4 stars). 2 submissions from 2 submitters: Pathogenic (2). Last evaluated 2026-05-20.

Conditions:
Nemaline myopathy 2 (NEM2). Also called: Nemaline myopathy 2, autosomal recessive. Identifiers: MedGen C1850569, MONDO:0009725, OMIM 256030.

Submissions (2):

Myriad Genetics, Inc.
Classification: Pathogenic for Nemaline myopathy 2. Last evaluated: 2026-05-20. Review status: criteria provided, single submitter. Criteria: Myriad Autosomal Dominant, Autosomal Recessive and X-Linked Classification Criteria (2023). Collection method: clinical testing. Allele origin: unknown.
Comment: NM_001271208.1(NEB):c.22918G>T(E7640*) is expected to be pathogenic in the context of NEB-related nemaline myopathy. This variant is predicted to lead to an abnormal or absent protein product due to the creation of a premature termination codon in NEB, a gene where loss-of-function variants are known to be pathogenic. Please note: this variant was assessed in the context of healthy population screening.

Labcorp Genetics (formerly Invitae), Labcorp
Classification: Pathogenic for Nemaline myopathy 2. Last evaluated: 2020-06-30. Review status: criteria provided, single submitter. Criteria: Invitae Variant Classification Sherloc (09022015). Collection method: clinical testing. Allele origin: germline.
Comment: For these reasons, this variant has been classified as Pathogenic. Loss-of-function variants in NEB are known to be pathogenic (PMID: 25205138). This variant has not been reported in the literature in individuals with NEB-related conditions. This variant is not present in population databases (ExAC no frequency). This sequence change creates a premature translational stop signal (p.Glu7640*) in the NEB gene. It is expected to result in an absent or disrupted protein product.

Literature cited by the submitters: PubMed 25205138 (cited by Labcorp Genetics (formerly Invitae), Labcorp).

NM_001164508.2(NEB):c.22813G>T (p.Glu7605Ter)

Genes: NEB (nebulin; minus strand), RIF1 (replication timing regulatory factor 1; plus strand). Cytogenetic location: 2q23.3.
Variant type: single nucleotide variant.
Coding change: c.22813G>T on transcript NM_001164508.2 (MANE Select); coding-DNA position 22813, G replaced by T.
Protein change: p.Glu7605Ter; replaces glutamic acid 7605 with a stop codon.
Molecular consequence: nonsense.
Genome position (GRCh38, 1-based): chr2:151,516,551, C>A on the plus strand (G>T on the coding strand, the complement: NEB is on the minus strand). VCF-style: chr2-151516551-C-A. GRCh37 (hg19) VCF-style: chr2-152373065-C-A.
Other names: c.22813G>T, p.Glu7605Ter (NM_001164507.2); c.22918G>T, p.Glu7640Ter (NM_001271208.2); c.17710G>T, p.Glu5904Ter (NM_004543.5); short protein forms E5904*, E7605*, E7640*.
Identifiers: ClinVar variation 1076720 (VCV001076720.8), dbSNP rs767967099, ClinGen allele CA348758532.